The following is an entry in ClinVar:

ClinVar aggregate classification (germline): Pathogenic (1 of 4 stars; one submission).

Conditions:
Joubert syndrome 16 (JBTS16). Identifiers: Orphanet 2318, MedGen C3280906, MONDO:0013764, OMIM 614465.

Allele frequency attached by ClinVar (database versions not stated): gnomAD 0.00001; gnomAD exomes 0.00001; TOPMed 0.00001.

Submission:

Labcorp Genetics (formerly Invitae), Labcorp
Classification: Pathogenic for Joubert syndrome 16. Last evaluated: 2024-10-15. Review status: criteria provided, single submitter. Criteria: Invitae Variant Classification Sherloc (09022015). Collection method: clinical testing. Allele origin: germline.
Comment: This sequence change creates a premature translational stop signal (p.Arg103Thrfs*33) in the TMEM138 gene. While this is not anticipated to result in nonsense mediated decay, it is expected to disrupt the last 60 amino acid(s) of the TMEM138 protein. This variant is not present in population databases (gnomAD no frequency). This variant has not been reported in the literature in individuals affected with TMEM138-related conditions. ClinVar contains an entry for this variant (Variation ID: 2018227). This variant disrupts a region of the TMEM138 protein in which other variant(s) (p.Arg103Alafs*23) have been determined to be pathogenic (PMID: 26489029, 32404165). This suggests that this is a clinically significant region of the protein, and that variants that disrupt it are likely to be disease-causing. For these reasons, this variant has been classified as Pathogenic.

Literature cited by the submitters: PubMed 26489029; PubMed 32404165.

NM_016464.5(TMEM138):c.306dup (p.Arg103fs)

Gene: TMEM138 (transmembrane protein 138; plus strand). Cytogenetic location: 11q12.2.
Variant type: Duplication.
Coding change: c.306dup on transcript NM_016464.5 (MANE Select); coding-DNA position 306, one base duplicated (A; older notation c.306dupA).
Protein change: p.Arg103fs; shifts the reading frame from arginine 103.
Molecular consequence: frameshift variant. On other transcripts: non-coding transcript variant (1).
Genome position (GRCh38, 1-based): chr11:61,367,928, A duplicated. VCF-style (leftmost placement, unchanged base first): chr11-61367927-T-TA. GRCh37 (hg19) VCF-style: chr11-61135399-T-TA.
Other names: c.132dup, p.Arg45fs (NM_001330281.2); c.306dup, p.Arg103Thrfs (NM_001410997.1, NM_001410998.1, NM_001410999.1); short protein forms R103fs, R45fs.
Identifiers: ClinVar variation 2018227 (VCV002018227.4), dbSNP rs1554970010, ClinGen allele CA222874000.